The following is an entry in ClinVar:

NM_001042492.3(NF1):c.6432G>T (p.Glu2144Asp)

Gene: NF1 (neurofibromin 1; plus strand). Cytogenetic location: 17q11.2.
Variant type: single nucleotide variant.
Coding change: c.6432G>T on transcript NM_001042492.3 (MANE Select); coding-DNA position 6432, G replaced by T.
Protein change: p.Glu2144Asp; replaces glutamic acid 2144 with aspartic acid.
Molecular consequence: missense variant.
Genome position (GRCh38, 1-based): chr17:31,337,372, G>T. VCF-style: chr17-31337372-G-T. GRCh37 (hg19) VCF-style: chr17-29664390-G-T.
Other names: c.6369G>T, p.Glu2123Asp (NM_000267.4); short protein forms E2144D, E2123D.
Identifiers: ClinVar variation 2076664 (VCV002076664.5), dbSNP rs2151555941, ClinGen allele CA399012996.

ClinVar aggregate classification (germline): Uncertain significance. Review status: criteria provided, multiple submitters, no conflicts (2 of 4 stars). 2 submissions from 2 submitters: Uncertain significance (2). Last evaluated 2022-01-06.

Conditions:
Neurofibromatosis, type 1 (NF1). Also called: NEUROFIBROMATOSIS, TYPE I, SOMATIC; Peripheral type neurofibromatosis; Neurofibromatosis, type I; VON RECKLINGHAUSEN DISEASE. Identifiers: Orphanet 636, MedGen C0027831, MONDO:0018975, OMIM 162200. Disease mechanism: loss of function.

Submissions (2):

Labcorp Genetics (formerly Invitae), Labcorp
Classification: Uncertain significance for Neurofibromatosis, type 1. Last evaluated: 2022-01-06. Review status: criteria provided, single submitter. Criteria: Invitae Variant Classification Sherloc (09022015). Collection method: clinical testing. Allele origin: germline.
Comment: Algorithms developed to predict the effect of missense changes on protein structure and function are either unavailable or do not agree on the potential impact of this missense change (SIFT: "Tolerated"; PolyPhen-2: "Probably Damaging"; Align-GVGD: "Class C0"). In summary, the available evidence is currently insufficient to determine the role of this variant in disease. Therefore, it has been classified as a Variant of Uncertain Significance. This variant has not been reported in the literature in individuals affected with NF1-related conditions. This sequence change replaces glutamic acid, which is acidic and polar, with aspartic acid, which is acidic and polar, at codon 2123 of the NF1 protein (p.Glu2123Asp). This variant is not present in population databases (gnomAD no frequency).

Blueprint Genetics
Classification: Uncertain significance. Last evaluated: 2019-10-22. Review status: criteria provided, single submitter. Criteria: ACMG Guidelines, 2015. Collection method: clinical testing. Allele origin: germline.